The following is an entry in ClinVar:

NM_153006.3(NAGS):c.426+2T>C

Gene: NAGS (N-acetylglutamate synthase; plus strand). Cytogenetic location: 17q21.31.
Variant type: single nucleotide variant.
Coding change: c.426+2T>C on transcript NM_153006.3 (MANE Select); the canonical splice donor site of the intron after coding-DNA position 426, T replaced by C.
Molecular consequence: splice donor variant.
Genome position (GRCh38, 1-based): chr17:44,005,091, T>C. VCF-style: chr17-44005091-T-C. GRCh37 (hg19) VCF-style: chr17-42082459-T-C.
Identifiers: ClinVar variation 4816905 (VCV004816905.2).

ClinVar aggregate classification (germline): Likely pathogenic (1 of 4 stars; one submission).

Conditions:
Hyperammonemia, type III (NAGSD). Also called: Hyperammonemia due to N-acetylglutamate synthase deficiency. Identifiers: Orphanet 927, MedGen C0268543, MONDO:0009377, OMIM 237310.

gnomAD v4.1: 6 of 1,567,600 alleles (0.00038%); highest among the groups gnomAD compares: Non-Finnish European, 0.00052%; no homozygotes.

Submission:

Natera, Inc.
Classification: Likely pathogenic for Hyperammonemia type III. Last evaluated: 2025-09-12. Review status: criteria provided, single submitter. Criteria: Natera Variant Classification Schema (03/2026). Collection method: clinical testing. Allele origin: germline.
Comment: The c.426+2T>C variant in NAGS is a canonical splice donor site variant predicted to affect pre-mRNA splicing, which may result in an abnormal transcript and altered protein product. This variant is expected to result in nonsense mediated decay, truncation, or a dysfunctional protein product. This variant is rare in the general population with a frequency below the threshold expected for the associated phenotype(s). Given the available evidence, this variant is classified as Likely Pathogenic.